The following is an entry in ClinVar:

NM_021973.3(HAND2):c.247G>T (p.Val83Leu)

Genes: HAND2 (heart and neural crest derivatives expressed 2; minus strand), HAND2-AS1 (HAND2 antisense RNA 1; plus strand). Cytogenetic location: 4q34.1.
Variant type: single nucleotide variant.
Coding change: c.247G>T on transcript NM_021973.3 (MANE Select); coding-DNA position 247, G replaced by T.
Protein change: p.Val83Leu; replaces valine 83 with leucine.
Molecular consequence: missense variant.
Genome position (GRCh38, 1-based): chr4:173,529,043, C>A on the plus strand (G>T on the coding strand, the complement: HAND2 is on the minus strand). VCF-style: chr4-173529043-C-A. GRCh37 (hg19) VCF-style: chr4-174450194-C-A.
Other names: short protein forms V83L.
Identifiers: ClinVar variation 2634821 (VCV002634821.1), dbSNP rs756632787, ClinGen allele CA3141336.
Genomic context (GRCh38, chr4:173,529,043, plus strand): 5'-TGCCTCGGCGCTTCACCGGGCGCGGCCCCCCCAGGCCCGGGGGCCCGGCGCCCGGCGGCA[C>A]CCCCCCGTAATGGGAGTGGTCCAGGCCGGCGGCGCCGCTGGCATACTCGGGGCTGTAGGA-3'
Protein context (NP_068808.1, residues 73-93): AGLDHSHYGG[Val83Leu]PPGAGPPGLG

ClinVar aggregate classification (germline): Uncertain significance (1 of 4 stars; one submission).

Conditions:
HAND2-related disorder. Also called: HAND2-related condition.

Submission:

PreventionGenetics, part of Exact Sciences
Classification: Uncertain significance for HAND2-related condition. Last evaluated: 2023-07-13. Review status: criteria provided, single submitter. Criteria: ACMG Guidelines, 2015. Collection method: clinical testing. Allele origin: germline.
Comment: The HAND2 c.247G>T variant is predicted to result in the amino acid substitution p.Val83Leu. This variant was reported in an individual with tetralogy of Fallot (Shen et al. 2010. PubMed ID: 20819618). This variant is reported in 0.0017% of alleles in individuals of European (Non-Finnish) descent in gnomAD. At this time, the clinical significance of this variant is uncertain due to the absence of conclusive functional and genetic evidence.